The following is an entry in ClinVar:

NM_005732.4(RAD50):c.2260_2266del (p.Leu754fs)

Gene: RAD50 (RAD50 double strand break repair protein; plus strand). Cytogenetic location: 5q31.1.
Variant type: Deletion.
Coding change: c.2260_2266del on transcript NM_005732.4 (MANE Select); coding-DNA positions 2260 to 2266, 7 bases deleted (CTGCAGA; older notation c.2260_2266delCTGCAGA).
Protein change: p.Leu754fs; shifts the reading frame from leucine 754.
Molecular consequence: frameshift variant.
Genome position (GRCh38, 1-based): chr5:132,603,352-132,603,358, CTGCAGA deleted; deleting any 7 consecutive bases within chr5:132,603,351-132,603,358 gives the same sequence; the c. name uses the placement nearest the transcript's 3' end. VCF-style (leftmost placement, unchanged base first): chr5-132603350-AACTGCAG-A. GRCh37 (hg19) VCF-style: chr5-131939042-AACTGCAG-A.
Other names: short protein forms L754fs.
Identifiers: ClinVar variation 220136 (VCV000220136.8), dbSNP rs864622393, ClinGen allele CA349532.

ClinVar aggregate classification (germline): Pathogenic. Review status: criteria provided, multiple submitters, no conflicts (2 of 4 stars). 2 submissions from 2 submitters: Pathogenic (2). Last evaluated 2021-12-03.

Conditions:
Hereditary cancer-predisposing syndrome. Also called: Hereditary neoplastic syndrome; Tumor predisposition; Hereditary Cancer Syndrome; Neoplastic Syndromes, Hereditary. Identifiers: Orphanet 140162, MedGen C0027672, MeSH D009386, MONDO:0015356.

Submissions (2):

Labcorp Genetics (formerly Invitae), Labcorp
Classification: Pathogenic for Hereditary cancer-predisposing syndrome. Last evaluated: 2021-12-03. Review status: criteria provided, single submitter. Criteria: Invitae Variant Classification Sherloc (09022015). Collection method: clinical testing. Allele origin: germline.
Comment: This sequence change creates a premature translational stop signal (p.Leu754Metfs*9) in the RAD50 gene. It is expected to result in an absent or disrupted protein product. Loss-of-function variants in RAD50 are known to be pathogenic (PMID: 19409520). This variant is not present in population databases (gnomAD no frequency). This premature translational stop signal has been observed in individual(s) with undergoing testing for personal or family history of breast and/or ovarian cancer (PMID: 31159747). ClinVar contains an entry for this variant (Variation ID: 220136). For these reasons, this variant has been classified as Pathogenic.

GeneKor MSA
Classification: Pathogenic for Hereditary cancer-predisposing syndrome. Last evaluated: 2020-01-01. Review status: criteria provided, single submitter. Criteria: ACMG Guidelines, 2015. Collection method: clinical testing. Allele origin: germline. Affected: yes.
Comment: This variant is a seven base pair deletion from exon 14 of the RAD50 mRNA, causing a frameshift at codon 754 and this creates a premature translational stop signal. This is expected to result in an absent or disrupted protein product. Truncating variants in RAD50 are known to be pathogenic (PMID:19409520, 16385572). This variant has been described in the international literature in an individual undergoing panel testing for hereditary syndrome (PMID: 31159747).The mutation database ClinVar contains entries for this variant (Variation ID:220136).

Literature cited by the submitters: PubMed 19409520 (cited by Labcorp Genetics (formerly Invitae), Labcorp); PubMed 31159747 (cited by Labcorp Genetics (formerly Invitae), Labcorp).